The following is an entry in ClinVar:

NM_004715.5(CTDP1):c.1251A>G (p.Gln417=)

Gene: CTDP1 (CTD phosphatase 1; plus strand). Cytogenetic location: 18q23.
Variant type: single nucleotide variant.
Coding change: c.1251A>G on transcript NM_004715.5 (MANE Select); coding-DNA position 1251, A replaced by G.
Protein change: p.Gln417=; no amino-acid change (glutamine 417 retained).
Molecular consequence: synonymous variant.
Genome position (GRCh38, 1-based): chr18:79,714,711, A>G. VCF-style: chr18-79714711-A-G. GRCh37 (hg19) VCF-style: chr18-77474711-A-G.
Other names: p.Gln417=; c.894A>G, p.Gln298= (NM_001202504.1); c.1251A>G, p.Gln417= (NM_001318511.2, NM_048368.4).
Identifiers: ClinVar variation 707968 (VCV000707968.10), dbSNP rs34942031, ClinGen allele CA9010259.

ClinVar aggregate classification (germline): Benign. Review status: criteria provided, multiple submitters, no conflicts (2 of 4 stars). 4 submissions from 4 submitters: Benign (4). Last evaluated 2025-12-01.

Allele frequency attached by ClinVar (database versions not stated): gnomAD exomes 0.00051 and 0.00113; ExAC 0.00165; ESP Exome Variant Server 0.00267; gnomAD 0.00408 and 0.00447; 1000 Genomes Project 0.00419; 1000 Genomes Project 30x 0.00437; TOPMed 0.00440.
gnomAD v4.1: 1,402 of 1,607,166 alleles (0.087%); highest among the groups gnomAD compares: African/African-American, 1.3%; 15 homozygotes.

Submissions (4):

CeGaT Center for Human Genetics Tuebingen
Classification: Benign. Last evaluated: 2025-12-01. Review status: criteria provided, single submitter. Criteria: CeGaT Center For Human Genetics Tuebingen Variant Classification Criteria Version 2. Collection method: clinical testing. Allele origin: germline. Affected: yes. Observed: 1 variant allele.
Comment: CTDP1: BP4, BP7, BS1, BS2

Mayo Clinic Laboratories, Mayo Clinic
Classification: Benign. Last evaluated: 2022-06-02. Review status: criteria provided, single submitter. Criteria: ACMG Guidelines, 2015. Collection method: clinical testing. Allele origin: germline. Observed: 11 variant alleles.
Comment: BS1, BS2

Labcorp Genetics (formerly Invitae), Labcorp
Classification: Benign. Last evaluated: 2018-10-12. Review status: criteria provided, single submitter. Criteria: Invitae Variant Classification Sherloc (09022015). Collection method: clinical testing. Allele origin: germline.

Breakthrough Genomics
Classification: Benign. Review status: criteria provided, single submitter. Criteria: ACMG Guidelines, 2015. Collection method: not provided. Allele origin: germline. Inheritance: Autosomal recessive inheritance. Affected: yes.